The following is an entry in ClinVar:

ClinVar aggregate classification (germline): Uncertain significance (1 of 4 stars; one submission).

gnomAD v4.1: 1 of 1,614,186 alleles (0.000062%); highest among the groups gnomAD compares: South Asian, 0.0011%; no homozygotes.

Submission:

Labcorp Genetics (formerly Invitae), Labcorp
Classification: Uncertain significance. Last evaluated: 2024-12-29. Review status: criteria provided, single submitter. Criteria: Invitae Variant Classification Sherloc (09022015). Collection method: clinical testing. Allele origin: germline.
Comment: This sequence change replaces glutamine, which is neutral and polar, with glutamic acid, which is acidic and polar, at codon 3 of the NSD1 protein (p.Gln3Glu). This variant is not present in population databases (gnomAD no frequency). This variant has not been reported in the literature in individuals affected with NSD1-related conditions. Invitae Evidence Modeling of protein sequence and biophysical properties (such as structural, functional, and spatial information, amino acid conservation, physicochemical variation, residue mobility, and thermodynamic stability) indicates that this missense variant is not expected to disrupt NSD1 protein function with a negative predictive value of 95%. In summary, the available evidence is currently insufficient to determine the role of this variant in disease. Therefore, it has been classified as a Variant of Uncertain Significance.

NM_022455.5(NSD1):c.7C>G (p.Gln3Glu)

Gene: NSD1 (nuclear receptor binding SET domain protein 1; plus strand). Cytogenetic location: 5q35.3.
Variant type: single nucleotide variant.
Coding change: c.7C>G on transcript NM_022455.5 (MANE Select); coding-DNA position 7, C replaced by G.
Protein change: p.Gln3Glu; replaces glutamine 3 with glutamic acid.
Molecular consequence: missense variant. On other transcripts: 5 prime UTR variant (7).
Genome position (GRCh38, 1-based): chr5:177,135,110, C>G. VCF-style: chr5-177135110-C-G. GRCh37 (hg19) VCF-style: chr5-176562111-C-G.
Other names: c.-127C>G (NM_001365684.2, NM_001409305.1, NM_001409306.1 and 4 more transcripts); c.7C>G, p.Gln3Glu (NM_001409301.1, NM_001409302.1, NM_001409303.1 and 1 more transcripts); short protein forms Q3E.
Identifiers: ClinVar variation 3614180 (VCV003614180.2).